The following is an entry in ClinVar:

ClinVar aggregate classification (germline): Uncertain significance (1 of 4 stars; one submission).

Conditions:
GCNT2-related disorder. Also called: GCNT2-related condition.

Submission:

PreventionGenetics, part of Exact Sciences
Classification: Uncertain significance for GCNT2-related condition. Last evaluated: 2025-07-16. Review status: criteria provided, single submitter. Criteria: ACMG Guidelines, 2015. Collection method: clinical testing. Allele origin: germline.
Comment: The GCNT2 c.856C>A variant is predicted to result in the amino acid substitution p.Leu286Ile. In a transcript that is specific to the lens of the eye (NM_001491.2), this variant is found within an intronic region (c.919+29503C>A). To our knowledge, this variant has not been reported in the literature or in a large population database (gnomAD), indicating this variant is rare. At this time, the clinical significance of this variant is uncertain due to the absence of conclusive functional and genetic evidence.

NM_145649.5(GCNT2):c.926-34506C>A

Gene: GCNT2 (glucosaminyl (N-acetyl) transferase 2 (I blood group); plus strand). Cytogenetic location: 6p24.3.
Variant type: single nucleotide variant.
Coding change: c.926-34506C>A on transcript NM_145649.5 (MANE Select); 34506 bases into the intron before coding-DNA position 926, C replaced by A.
Molecular consequence: intron variant. On other transcripts: missense variant (1).
Genome position (GRCh38, 1-based): chr6:10,586,845, C>A. VCF-style: chr6-10586845-C-A. GRCh37 (hg19) VCF-style: chr6-10587078-C-A.
Other names: c.856C>A, p.Leu286Ile (NM_145655.4); c.926-34506C>A (NM_001374747.1); c.919+29503C>A (NM_001491.3); short protein forms L286I.
Identifiers: ClinVar variation 4996896 (VCV004996896.1).